The following is an entry in ClinVar:

ClinVar aggregate classification (germline): Uncertain significance (1 of 4 stars; one submission).

Conditions:
Aicardi-Goutieres syndrome 7 (AGS7). Identifiers: Orphanet 51, MedGen C3888244, MONDO:0014367, OMIM 615846.
Singleton-Merten syndrome 1 (SGMRT1). Also called: Widened medullary cavities of bone, aortic calcification, abnormal dentition, and muscular weakness; Syndrome of widened medullary cavities of the metacarpals and phalanges, aortic calcification and abnormal dentition. Identifiers: Orphanet 85191, MedGen C4225427, MONDO:0024535, OMIM 182250.

Submission:

Labcorp Genetics (formerly Invitae), Labcorp
Classification: Uncertain significance for Aicardi-Goutieres syndrome 7; Singleton-Merten syndrome 1. Last evaluated: 2025-11-06. Review status: criteria provided, single submitter. Criteria: Invitae Variant Classification Sherloc (09022015). Collection method: clinical testing. Allele origin: germline.
Comment: This sequence change replaces alanine, which is neutral and non-polar, with threonine, which is neutral and polar, at codon 819 of the IFIH1 protein (p.Ala819Thr). This variant is not present in population databases (gnomAD no frequency). This variant has not been reported in the literature in individuals affected with IFIH1-related conditions. An algorithm developed to predict the effect of missense changes on protein structure and function (PolyPhen-2) suggests that this variant is likely to be disruptive. In summary, the available evidence is currently insufficient to determine the role of this variant in disease. Therefore, it has been classified as a Variant of Uncertain Significance.

NM_022168.4(IFIH1):c.2455G>A (p.Ala819Thr)

Gene: IFIH1 (interferon induced with helicase C domain 1; minus strand). Cytogenetic location: 2q24.2.
Variant type: single nucleotide variant.
Coding change: c.2455G>A on transcript NM_022168.4 (MANE Select); coding-DNA position 2455, G replaced by A.
Protein change: p.Ala819Thr; replaces alanine 819 with threonine.
Molecular consequence: missense variant.
Genome position (GRCh38, 1-based): chr2:162,272,387, C>T on the plus strand (G>A on the coding strand, the complement: IFIH1 is on the minus strand). VCF-style: chr2-162272387-C-T. GRCh37 (hg19) VCF-style: chr2-163128897-C-T.
Other names: short protein forms A819T.
Identifiers: ClinVar variation 4786618 (VCV004786618.1).
Genomic context (GRCh38, chr2:162,272,387, plus strand): 5'-CTGAACCACTGTGAGCAACCAGGACGTAGGTGCTCTCATCAGCTCTGGCTCGACCACGGG[C>T]CTGAAAACACAAATAAATCAAGTAAATGAAAGGGTACGTTGTGATACAAATCCTCCTGGT-3'
Protein context (NP_071451.2, residues 809-829): LVTNEIAMVQ[Ala819Thr]RGRARADEST